The following is an entry in ClinVar:

ClinVar aggregate classification (germline): Uncertain significance. Review status: criteria provided, multiple submitters, no conflicts (2 of 4 stars). 2 submissions from 2 submitters: Uncertain significance (2). Last evaluated 2025-09-10.

Conditions:
Epilepsy, idiopathic generalized, susceptibility to, 18. Identifiers: MedGen C5561983, MONDO:0030434, OMIM 619521.
Sick sinus syndrome 2, autosomal dominant (SSS2). Also called: SINUS BRADYCARDIA SYNDROME, FAMILIAL, AUTOSOMAL DOMINANT; SINUS NODE DISEASE, FAMILIAL, AUTOSOMAL DOMINANT; SICK SINUS SYNDROME 2; SICK SINUS SYNDROME 2 WITH OR WITHOUT CARDIAC NONCOMPACTION AND/OR ASCENDING AORTA DILATION; ATRIAL FIBRILLATION WITH BRADYARRHYTHMIA. Identifiers: Orphanet 166282, MedGen C1834144, MONDO:0008102, OMIM 163800.

gnomAD v4.1: 1 of 1,614,244 alleles (0.000062%); highest among the groups gnomAD compares: South Asian, 0.0011%; no homozygotes.

Submissions (2):

Genomic Medicine Center of Excellence, King Faisal Specialist Hospital and Research Centre
Classification: Uncertain significance for Sick sinus syndrome 2, autosomal dominant. Last evaluated: 2025-09-10. Review status: criteria provided, single submitter. Criteria: ACMG Guidelines, 2015. Collection method: clinical testing. Allele origin: germline.

3billion
Classification: Uncertain significance for Epilepsy, idiopathic generalized, susceptibility to, 18. Last evaluated: 2025-02-20. Review status: criteria provided, single submitter. Criteria: ACMG Guidelines, 2015. Collection method: clinical testing. Allele origin: germline. Affected: yes.
Comment: The variant is observed at an extremely low frequency in the gnomAD v4.1.0 dataset (total allele frequency: <0.001%). Predicted Consequence/Location: Missense variant. Missense changes are a common disease-causing mechanism. In silico tool predictions suggest damaging effect of the variant on gene or gene product [REVEL: 0.77 (>=0.6, sensitivity 0.68 and specificity 0.92)]. Different missense changes at the same codon have been reported as of uncertain significance (ClinVar ID: VCV001356738). Therefore, this variant is classified as VUS according to the recommendation of ACMG/AMP guideline.

NM_005477.3(HCN4):c.1819A>G (p.Met607Val)

Gene: HCN4 (hyperpolarization activated cyclic nucleotide gated potassium channel 4; minus strand). Cytogenetic location: 15q24.1.
Variant type: single nucleotide variant.
Coding change: c.1819A>G on transcript NM_005477.3 (MANE Select); coding-DNA position 1819, A replaced by G.
Protein change: p.Met607Val; replaces methionine 607 with valine.
Molecular consequence: missense variant.
Genome position (GRCh38, 1-based): chr15:73,325,114, T>C on the plus strand (A>G on the coding strand, the complement: HCN4 is on the minus strand). VCF-style: chr15-73325114-T-C. GRCh37 (hg19) VCF-style: chr15-73617455-T-C.
Other names: short protein forms M607V.
Identifiers: ClinVar variation 4278273 (VCV004278273.2).